The following is an entry in ClinVar:

ClinVar aggregate classification (germline): Conflicting classifications of pathogenicity. Review status: criteria provided, conflicting classifications (1 of 4 stars). 2 submissions from 2 submitters: Uncertain significance (1); Likely benign (1). Last evaluated 2025-07-21.

Conditions:
Combined immunodeficiency due to LRBA deficiency. Also called: Common variable immunodeficiency 8, with autoimmunity. Identifiers: Orphanet 445018, MedGen C3553512, MONDO:0013863, OMIM 614700.

gnomAD v4.1: 1 of 1,274,530 alleles (0.000078%); highest among the groups gnomAD compares: African/African-American, 0.0015%; no homozygotes.

Submissions (2):

Labcorp Genetics (formerly Invitae), Labcorp
Classification: Likely benign for Combined immunodeficiency due to LRBA deficiency. Last evaluated: 2025-07-21. Review status: criteria provided, single submitter. Criteria: Invitae Variant Classification Sherloc (09022015). Collection method: clinical testing. Allele origin: germline.

Laboratorio de Genetica e Diagnostico Molecular, Hospital Israelita Albert Einstein
Classification: Uncertain significance. Last evaluated: 2021-09-05. Review status: criteria provided, single submitter. Criteria: ACMG Guidelines, 2015. Collection method: clinical testing. Allele origin: germline. Affected: yes.
Comment: ACMG classification criteria: PM2

NM_001364905.1(LRBA):c.6667+18A>G

Gene: LRBA (LPS responsive beige-like anchor protein; minus strand). Cytogenetic location: 4q31.3.
Variant type: single nucleotide variant.
Coding change: c.6667+18A>G on transcript NM_001364905.1 (MANE Select); 18 bases into the intron after coding-DNA position 6667, A replaced by G.
Molecular consequence: intron variant.
Genome position (GRCh38, 1-based): chr4:150,471,606, T>C on the plus strand (A>G on the coding strand, the complement: LRBA is on the minus strand). VCF-style: chr4-150471606-T-C. GRCh37 (hg19) VCF-style: chr4-151392758-T-C.
Other names: c.6667+18A>G (NM_001367550.1, NM_001199282.3, NM_001440431.1); c.6700+18A>G (NM_006726.5, NM_001440430.1); c.370+18A>G (NM_001440432.1); c.364+18A>G (NM_001440433.1).
Identifiers: ClinVar variation 1691048 (VCV001691048.4), dbSNP rs375700554, ClinGen allele CA1069424214.